The following is an entry in ClinVar:

NM_001130009.3(GEN1):c.2609C>T (p.Ser870Leu)

Gene: GEN1 (GEN1 structure-specific endonuclease; plus strand). Cytogenetic location: 2p24.2.
Variant type: single nucleotide variant.
Coding change: c.2609C>T on transcript NM_001130009.3 (MANE Select); coding-DNA position 2609, C replaced by T.
Protein change: p.Ser870Leu; replaces serine 870 with leucine.
Molecular consequence: missense variant.
Genome position (GRCh38, 1-based): chr2:17,781,821, C>T. VCF-style: chr2-17781821-C-T. GRCh37 (hg19) VCF-style: chr2-17963088-C-T.
Other names: c.2609C>T, p.Ser870Leu (NM_182625.5); short protein forms S870L.
Identifiers: ClinVar variation 4857949 (VCV004857949.1).

ClinVar aggregate classification (germline): Uncertain significance (1 of 4 stars; one submission).

Submission:

Ambry Genetics
Classification: Uncertain significance. Last evaluated: 2026-03-28. Review status: criteria provided, single submitter. Criteria: Ambry Variant Classification Scheme 2023. Collection method: clinical testing. Allele origin: germline.
Comment: The p.S870L variant (also known as c.2609C>T), located in coding exon 13 of the GEN1 gene, results from a C to T substitution at nucleotide position 2609. The serine at codon 870 is replaced by leucine, an amino acid with dissimilar properties. This amino acid position is conserved. In addition, this alteration is predicted to be tolerated by in silico analysis. Based on the available evidence, the clinical significance of this variant remains unclear.